The following is an entry in ClinVar:

ClinVar aggregate classification (germline): Uncertain significance (1 of 4 stars; one submission).

Conditions:
Hereditary cancer-predisposing syndrome. Also called: Tumor predisposition; Hereditary neoplastic syndrome; Hereditary Cancer Syndrome; Neoplastic Syndromes, Hereditary. Identifiers: Orphanet 140162, MedGen C0027672, MeSH D009386, MONDO:0015356.

gnomAD v4.1: 1 of 1,614,214 alleles (0.000062%); highest among the groups gnomAD compares: Non-Finnish European, 0.000085%; no homozygotes.

Submission:

Ambry Genetics
Classification: Uncertain significance for Hereditary cancer-predisposing syndrome. Last evaluated: 2025-05-03. Review status: criteria provided, single submitter. Criteria: Ambry Variant Classification Scheme 2023. Collection method: clinical testing. Allele origin: germline.
Comment: The p.N870K variant (also known as c.2610C>A), located in coding exon 23 of the POLE gene, results from a C to A substitution at nucleotide position 2610. The asparagine at codon 870 is replaced by lysine, an amino acid with similar properties. This amino acid position is conserved. In addition, this alteration is predicted to be tolerated by in silico analysis. Based on the available evidence, the clinical significance of this variant remains unclear.

NM_006231.4(POLE):c.2610C>A (p.Asn870Lys)

Gene: POLE (DNA polymerase epsilon, catalytic subunit; minus strand). Cytogenetic location: 12q24.33.
Variant type: single nucleotide variant.
Coding change: c.2610C>A on transcript NM_006231.4 (MANE Select); coding-DNA position 2610, C replaced by A.
Protein change: p.Asn870Lys; replaces asparagine 870 with lysine.
Molecular consequence: missense variant.
Genome position (GRCh38, 1-based): chr12:132,664,100, G>T on the plus strand (C>A on the coding strand, the complement: POLE is on the minus strand). VCF-style: chr12-132664100-G-T. GRCh37 (hg19) VCF-style: chr12-133240686-G-T.
Other names: short protein forms N870K.
Identifiers: ClinVar variation 3935755 (VCV003935755.1).
Genomic context (GRCh38, chr12:132,664,100, plus strand): 5'-GATGGTCACTTTGGGCTTCTTCACATTGGTCGTCTTGAAGACAAAATTTTCTGGGAAGCT[G>T]TTGGGCAGGACGCACCATATACCATCTGTGTCCAGCTCTAAGGGCCTCCTTCAGAGAAAG-3'
Protein context (NP_006222.2, residues 860-880): DTDGIWCVLP[Asn870Lys]SFPENFVFKT